The following is an entry in ClinVar:

ClinVar aggregate classification (germline): Likely benign. Review status: criteria provided, multiple submitters, no conflicts (2 of 4 stars). 2 submissions from 2 submitters: Likely benign (2). Last evaluated 2021-11-23.

Conditions:
Combined oxidative phosphorylation defect type 27. Also called: Combined oxidative phosphorylation deficiency 27. Identifiers: Orphanet 477774, MedGen C5567608, MONDO:0014728, OMIM 616672.

Allele frequency attached by ClinVar (database versions not stated): TOPMed 0.00002; 1000 Genomes Project 30x 0.00016; 1000 Genomes Project 0.00020.
gnomAD v4.1: 11 of 1,543,102 alleles (0.00071%); highest among the groups gnomAD compares: East Asian, 0.025%; no homozygotes.

Submissions (2):

Labcorp Genetics (formerly Invitae), Labcorp
Classification: Likely benign for Combined oxidative phosphorylation defect type 27. Last evaluated: 2021-11-23. Review status: criteria provided, single submitter. Criteria: Invitae Variant Classification Sherloc (09022015). Collection method: clinical testing. Allele origin: germline.

GeneDx
Classification: Likely benign. Last evaluated: 2017-06-22. Review status: criteria provided, single submitter. Criteria: GeneDx Variant Classification (06012015). Collection method: clinical testing. Allele origin: germline. Affected: yes.
Comment: This variant is considered likely benign or benign based on one or more of the following criteria: it is a conservative change, it occurs at a poorly conserved position in the protein, it is predicted to be benign by multiple in silico algorithms, and/or has population frequency not consistent with disease.

NM_024537.4(CARS2):c.1623+17G>A

Gene: CARS2 (cysteinyl-tRNA synthetase 2, mitochondrial; minus strand). Cytogenetic location: 13q34.
Variant type: single nucleotide variant.
Coding change: c.1623+17G>A on transcript NM_024537.4 (MANE Select); 17 bases into the intron after coding-DNA position 1623, G replaced by A.
Molecular consequence: intron variant.
Genome position (GRCh38, 1-based): chr13:110,642,298, C>T on the plus strand (G>A on the coding strand, the complement: CARS2 is on the minus strand). VCF-style: chr13-110642298-C-T. GRCh37 (hg19) VCF-style: chr13-111294645-C-T.
Other names: c.837+17G>A (NM_001352252.2).
Identifiers: ClinVar variation 517991 (VCV000517991.9), dbSNP rs550431344, ClinGen allele CA256322401.